The following is an entry in ClinVar:

ClinVar aggregate classification (germline): Uncertain significance. Review status: criteria provided, multiple submitters, no conflicts (2 of 4 stars). 3 submissions from 3 submitters: Uncertain significance (3). Last evaluated 2022-08-23.

Allele frequency attached by ClinVar (database versions not stated): TOPMed 0.00006; ESP Exome Variant Server 0.00033.

Submissions (3):

Labcorp Genetics (formerly Invitae), Labcorp
Classification: Uncertain significance. Last evaluated: 2022-08-23. Review status: criteria provided, single submitter. Criteria: Invitae Variant Classification Sherloc (09022015). Collection method: clinical testing. Allele origin: germline.
Comment: This sequence change replaces glutamic acid, which is acidic and polar, with glutamine, which is neutral and polar, at codon 1576 of the PCLO protein (p.Glu1576Gln). This variant is present in population databases (rs200242448, gnomAD 0.01%). This variant has not been reported in the literature in individuals affected with PCLO-related conditions. ClinVar contains an entry for this variant (Variation ID: 594327). Algorithms developed to predict the effect of missense changes on protein structure and function are either unavailable or do not agree on the potential impact of this missense change (SIFT: "Deleterious"; PolyPhen-2: "Not Available"; Align-GVGD: "Class C0"). In summary, the available evidence is currently insufficient to determine the role of this variant in disease. Therefore, it has been classified as a Variant of Uncertain Significance.

Greenwood Genetic Center Diagnostic Laboratories, Greenwood Genetic Center
Classification: Uncertain significance. Last evaluated: 2021-12-30. Review status: criteria provided, single submitter. Criteria: ACMG Guidelines, 2015. Collection method: clinical testing. Allele origin: germline. Affected: yes.
Comment: PM2

Eurofins Ntd Llc (ga)
Classification: Uncertain significance. Last evaluated: 2017-10-02. Review status: criteria provided, single submitter. Criteria: EGL Classification Definitions 2015. Collection method: clinical testing. Allele origin: germline. Observed: 1 variant allele, 1 heterozygote.

NM_033026.6(PCLO):c.4726G>C (p.Glu1576Gln)

Gene: PCLO (piccolo presynaptic cytomatrix protein; minus strand). Cytogenetic location: 7q21.11.
Variant type: single nucleotide variant.
Coding change: c.4726G>C on transcript NM_033026.6 (MANE Select); coding-DNA position 4726, G replaced by C.
Protein change: p.Glu1576Gln; replaces glutamic acid 1576 with glutamine.
Molecular consequence: missense variant.
Genome position (GRCh38, 1-based): chr7:82,956,227, C>G on the plus strand (G>C on the coding strand, the complement: PCLO is on the minus strand). VCF-style: chr7-82956227-C-G. GRCh37 (hg19) VCF-style: chr7-82585543-C-G.
Other names: c.4726G>C, p.Glu1576Gln (NM_014510.3); short protein forms E1576Q.
Identifiers: ClinVar variation 594327 (VCV000594327.9), dbSNP rs200242448, ClinGen allele CA4320771.